The following is an entry in ClinVar:

ClinVar aggregate classification (germline): Conflicting classifications of pathogenicity. Review status: criteria provided, conflicting classifications (1 of 4 stars). 6 submissions from 6 submitters: Likely pathogenic (1); Uncertain significance (2); Benign (1). 2 of the submissions do not count toward it. Last evaluated 2023-08-17.

Conditions:
FKBP10-related disorder. Also called: FKBP10-related condition.
Osteogenesis imperfecta type 11. Also called: Osteogenesis imperfecta, type XI; OI, TYPE XI. Identifiers: Orphanet 666, MedGen C3151218, MONDO:0012592, OMIM 610968.

Allele frequency attached by ClinVar (database versions not stated): 1000 Genomes Project 30x 0.00468; 1000 Genomes Project 0.00539; TOPMed 0.00921; gnomAD 0.00927 and 0.00960.
gnomAD v4.1: 19,752 of 1,613,856 alleles (1.2%); highest among the groups gnomAD compares: Middle Eastern, 3.6%; 157 homozygotes.

Submissions (6):

Department of Pathology and Laboratory Medicine, Sinai Health System
Classification: Uncertain significance for osteogenesis imperfecta type 11. Last evaluated: 2023-08-17. Review status: criteria provided, single submitter. Criteria: ACMG Guidelines, 2015. Collection method: research. Allele origin: germline.

CeGaT Center for Human Genetics Tuebingen
Classification: Benign. Last evaluated: 2023-03-01. Review status: criteria provided, single submitter. Criteria: CeGaT Center For Human Genetics Tuebingen Variant Classification Criteria Version 2. Collection method: clinical testing. Allele origin: germline. Affected: yes. Observed: 1 variant allele.
Comment: FKBP10: BS1, BS2

Mendelics
Classification: Uncertain significance for Osteogenesis imperfecta type 11. Last evaluated: 2019-05-28. Review status: criteria provided, single submitter. Criteria: Mendelics Assertion Criteria 2017. Collection method: clinical testing. Allele origin: unknown.

Genomic Medicine Center of Excellence, King Faisal Specialist Hospital and Research Centre
Classification: Likely pathogenic. Review status: criteria provided, single submitter. Criteria: ACMG Guidelines, 2015. Collection method: research. Allele origin: germline. Affected: yes.

Reproductive Health Research and Development, BGI Genomics
Classification: Benign for Osteogenesis imperfecta, type XI. Last evaluated: 2020-01-06. Review status: no assertion criteria provided. Collection method: curation. Allele origin: germline. Not counted in ClinVar's aggregate classification.
Comment: NG_015860.1(NM_021939.3):c.917+53G>T in the FKBP10 gene has an allele frequency of 0.016 in European (non-Finnish) subpopulation in the gnomAD database, including four homozygous occurrences. Taken together, we interprete this variant as Benign/Likely benign variant. ACMG/AMP criteria applied: BS1, BS2.

PreventionGenetics, part of Exact Sciences
Classification: Benign for FKBP10-related condition. Last evaluated: 2019-05-03. Review status: no assertion criteria provided. Collection method: clinical testing. Allele origin: germline. Not counted in ClinVar's aggregate classification.
Comment: This variant is classified as benign based on ACMG/AMP sequence variant interpretation guidelines (Richards et al. 2015 PMID: 25741868, with internal and published modifications).

NM_021939.4(FKBP10):c.917+53G>T

Gene: FKBP10 (FKBP prolyl isomerase 10; plus strand). Cytogenetic location: 17q21.2.
Variant type: single nucleotide variant.
Coding change: c.917+53G>T on transcript NM_021939.4 (MANE Select); 53 bases into the intron after coding-DNA position 917, G replaced by T.
Molecular consequence: intron variant.
Genome position (GRCh38, 1-based): chr17:41,819,452, G>T. VCF-style: chr17-41819452-G-T. GRCh37 (hg19) VCF-style: chr17-39975704-G-T.
Identifiers: ClinVar variation 191077 (VCV000191077.28), dbSNP rs141387386, ClinGen allele CA235969.